The following is an entry in ClinVar:

ClinVar aggregate classification (germline): Uncertain significance. Review status: criteria provided, multiple submitters, no conflicts (2 of 4 stars). 2 submissions from 2 submitters: Uncertain significance (2). Last evaluated 2026-02-02.

Conditions:
BBS4-related disorder. Also called: BBS4-related condition.
Inborn genetic diseases. Identifiers: MedGen C0950123, MeSH D030342.

gnomAD v4.1: 4 of 1,614,082 alleles (0.00025%); highest among the groups gnomAD compares: Admixed American, 0.0017%; no homozygotes.

Submissions (2):

PreventionGenetics, part of Exact Sciences
Classification: Uncertain significance for BBS4-related condition. Last evaluated: 2026-02-02. Review status: criteria provided, single submitter. Criteria: ACMG Guidelines, 2015. Collection method: clinical testing. Allele origin: germline.
Comment: The BBS4 c.967G>A variant is predicted to result in the amino acid substitution p.Ala323Thr. To our knowledge, this variant has not been reported in the literature or in a large population database (gnomAD), indicating this variant is rare. At this time, the clinical significance of this variant is uncertain due to the absence of conclusive functional and genetic evidence.

Ambry Genetics
Classification: Uncertain significance for Inborn genetic diseases. Last evaluated: 2024-03-15. Review status: criteria provided, single submitter. Criteria: Ambry Variant Classification Scheme 2023. Collection method: clinical testing. Allele origin: germline.

NM_033028.5(BBS4):c.967G>A (p.Ala323Thr)

Gene: BBS4 (Bardet-Biedl syndrome 4; plus strand). Cytogenetic location: 15q24.1.
Variant type: single nucleotide variant.
Coding change: c.967G>A on transcript NM_033028.5 (MANE Select); coding-DNA position 967, G replaced by A.
Protein change: p.Ala323Thr; replaces alanine 323 with threonine.
Molecular consequence: missense variant. On other transcripts: non-coding transcript variant (2).
Genome position (GRCh38, 1-based): chr15:72,731,657, G>A. VCF-style: chr15-72731657-G-A. GRCh37 (hg19) VCF-style: chr15-73023998-G-A.
Other names: c.967G>A (NM_033028.4); c.451G>A, p.Ala151Thr (NM_001252678.2); c.898G>A, p.Ala300Thr (NM_001320665.2); short protein forms A323T, A151T, A300T.
Identifiers: ClinVar variation 3260540 (VCV003260540.2).